The following is an entry in ClinVar:

ClinVar aggregate classification (germline): Uncertain significance (1 of 4 stars; one submission).

Submission:

Labcorp Genetics (formerly Invitae), Labcorp
Classification: Uncertain significance. Last evaluated: 2025-12-08. Review status: criteria provided, single submitter. Criteria: Invitae Variant Classification Sherloc (09022015). Collection method: clinical testing. Allele origin: germline.
Comment: This sequence change replaces threonine, which is neutral and polar, with isoleucine, which is neutral and non-polar, at codon 880 of the LEMD3 protein (p.Thr880Ile). This variant is not present in population databases (gnomAD no frequency). This variant has not been reported in the literature in individuals affected with LEMD3-related conditions. Invitae Evidence Modeling of protein sequence and biophysical properties (such as structural, functional, and spatial information, amino acid conservation, physicochemical variation, residue mobility, and thermodynamic stability) indicates that this missense variant is not expected to disrupt LEMD3 protein function with a negative predictive value of 80%. In summary, the available evidence is currently insufficient to determine the role of this variant in disease. Therefore, it has been classified as a Variant of Uncertain Significance.

NM_014319.5(LEMD3):c.2639C>T (p.Thr880Ile)

Gene: LEMD3 (LEM domain containing 3; plus strand). Cytogenetic location: 12q14.3.
Variant type: single nucleotide variant.
Coding change: c.2639C>T on transcript NM_014319.5 (MANE Select); coding-DNA position 2639, C replaced by T.
Protein change: p.Thr880Ile; replaces threonine 880 with isoleucine.
Molecular consequence: missense variant.
Genome position (GRCh38, 1-based): chr12:65,246,228, C>T. VCF-style: chr12-65246228-C-T. GRCh37 (hg19) VCF-style: chr12-65640008-C-T.
Other names: c.2636C>T, p.Thr879Ile (NM_001167614.2); short protein forms T880I, T879I.
Identifiers: ClinVar variation 4742496 (VCV004742496.1).